The following is an entry in ClinVar:

ClinVar aggregate classification (germline): Likely pathogenic (1 of 4 stars; one submission).

Submission:

Labcorp Genetics (formerly Invitae), Labcorp
Classification: Likely pathogenic. Last evaluated: 2025-02-03. Review status: criteria provided, single submitter. Criteria: Invitae Variant Classification Sherloc (09022015). Collection method: clinical testing. Allele origin: germline.
Comment: This sequence change affects a splice site in intron 6 of the WFS1 gene. It is expected to disrupt RNA splicing. Variants that disrupt the donor or acceptor splice site typically lead to a loss of protein function (PMID: 16199547), and loss-of-function variants in WFS1 are known to be pathogenic (PMID: 12955714). This variant is not present in population databases (gnomAD no frequency). This variant has not been reported in the literature in individuals affected with WFS1-related conditions. Algorithms developed to predict the effect of sequence changes on RNA splicing suggest that this variant may disrupt the consensus splice site. In summary, the currently available evidence indicates that the variant is pathogenic, but additional data are needed to prove that conclusively. Therefore, this variant has been classified as Likely Pathogenic.

Literature cited by the submitters: PubMed 16199547; PubMed 12955714.

NM_006005.3(WFS1):c.712+2_712+3del

Gene: WFS1 (wolframin ER transmembrane glycoprotein; plus strand). Cytogenetic location: 4p16.1.
Variant type: Microsatellite.
Coding change: c.712+2_712+3del on transcript NM_006005.3 (MANE Select); the canonical splice donor site of the intron after coding-DNA position 712 through 3 bases into the intron after coding-DNA position 712, 2 bases deleted (TG; older notation c.712+2_712+3delTG).
Molecular consequence: splice donor variant.
Genome position (GRCh38, 1-based): chr4:6,291,999-6,292,000, TG deleted; deleting any 2 consecutive bases within chr4:6,291,996-6,292,000 gives the same sequence; the c. name uses the placement nearest the transcript's 3' end. VCF-style (leftmost placement, unchanged base first): chr4-6291995-AGT-A. GRCh37 (hg19) VCF-style: chr4-6293722-AGT-A.
Other names: c.712+2_712+3del (NM_001145853.1).
Identifiers: ClinVar variation 4759718 (VCV004759718.1).